The following is an entry in ClinVar:

NM_003718.5(CDK13):c.2149G>A (p.Gly717Arg)

Gene: CDK13 (cyclin dependent kinase 13; plus strand). Cytogenetic location: 7p14.1.
Variant type: single nucleotide variant.
Coding change: c.2149G>A on transcript NM_003718.5 (MANE Select); coding-DNA position 2149, G replaced by A.
Protein change: p.Gly717Arg; replaces glycine 717 with arginine.
Molecular consequence: missense variant.
Genome position (GRCh38, 1-based): chr7:39,999,467, G>A. VCF-style: chr7-39999467-G-A. GRCh37 (hg19) VCF-style: chr7-40039066-G-A.
Other names: NM_003718.5(CDK13):c.2149G>A; p.Gly717Arg; c.2149G>A, p.Gly717Arg (NM_031267.4); short protein forms G717R.
Identifiers: ClinVar variation 375737 (VCV000375737.58), dbSNP rs1057519632, ClinGen allele CA16044432.

ClinVar aggregate classification (germline): Pathogenic. Review status: criteria provided, multiple submitters, no conflicts (2 of 4 stars). 17 submissions from 17 submitters: Pathogenic (14). 3 of the submissions do not count toward it. Last evaluated 2024-03-13.

Conditions:
Congenital heart defects, dysmorphic facial features, and intellectual developmental disorder (CHDFIDD). Identifiers: Orphanet 646278, MedGen C4479246, MONDO:0044302, OMIM 617360.
Inborn genetic diseases. Identifiers: MedGen C0950123, MeSH D030342.
Autism spectrum disorder. Also called: Autism spectrum disorders. Identifiers: MedGen C1510586, MeSH D000067877, MONDO:0005258.

Submissions 1 to 8 of 17:

Broad Center for Mendelian Genomics, Broad Institute of MIT and Harvard
Classification: Pathogenic for Congenital heart defects, dysmorphic facial features, and intellectual developmental disorder. Last evaluated: 2024-03-13. Review status: criteria provided, single submitter. Criteria: ACMG Guidelines, 2015. Collection method: curation. Allele origin: germline. Inheritance: Autosomal dominant inheritance.
Comment: Trio exome analysis showed this variant to be de novo. We believe this is a phenotype expansion for CDK13-related disorders. The variant has been previously reported in at least 11 unrelated individuals with congenital heart defects, dysmorphic facial features, and intellectual developmental disorder (PMID: 35043535, PMID: 33004838, PMID: 27479907, PMID: 29222009, PMID: 29021403, PMID: 28135719, ClinVar Accession SCV001190260.1, SCV001738366.1, SCV000803694.1, SCV002521011.1). The number of reported affected individuals with this variant is greater than expected compared to non-affected individuals with this variant. This variant was found to be de novo in 10 individuals with confirmed paternity and maternity (PMID: 35043535, PMID: 33004838, PMID: 27479907, PMID: 29222009, PMID: 29021403, SCV000803694.1, SCV001738366.1, SCV001190260.1, PMID: 28135719). Multiple variants in the same region as the p.Gly717Arg variant have been reported in association with disease in the literature and in ClinVar, and the p.Gly717Arg variant is located in a region of CDK13 that is essential to its function as a protein kinase, suggesting that this variant is in a hot spot/functional domain and supports pathogenicity (PMID: 29021403; ClinVar ID: 375738, 977619, 449224). This variant has also been reported in ClinVar (Variation ID: 375737) and has been interpreted as pathogenic by multiple submitters. This variant was absent from large population studies. Computational prediction tools and conservation analyses suggest that this variant may impact the protein, though this information is not predictive enough to determine pathogenicity. In summary, this variant meets criteria to be classified as pathogenic for autosomal dominant congenital heart defects, dysmorphic facial features, and intellectual developmental disorder. ACMG/AMP Criteria applied: PS2_VeryStrong, PS4, PM1, PM2_Supporting, PP3 (Richards 2015).

CeGaT Center for Human Genetics Tuebingen
Classification: Pathogenic. Last evaluated: 2024-03-01. Review status: criteria provided, single submitter. Criteria: CeGaT Center For Human Genetics Tuebingen Variant Classification Criteria Version 2. Collection method: clinical testing. Allele origin: germline. Affected: yes. Observed: 1 variant allele.
Comment: CDK13: PS2, PM1, PM2, PS4:Moderate, PP2, PP3

Ambry Genetics
Classification: Pathogenic for Inborn genetic diseases. Last evaluated: 2023-12-04. Review status: criteria provided, single submitter. Criteria: Ambry Variant Classification Scheme 2023. Collection method: clinical testing. Allele origin: germline.
Comment: The c.2149G>A (p.G717R) alteration is located in exon 4 (coding exon 4) of the CDK13 gene. This alteration results from a G to A substitution at nucleotide position 2149, causing the glycine (G) at amino acid position 717 to be replaced by an arginine (R). This variant was not reported in population-based cohorts in the Genome Aggregation Database (gnomAD). This variant has been determined to be the result of a de novo mutation in multiple individuals with features consistent with CDK13-related neurodevelopmental disorder including global developmental delays/intellectual disability and dysmorphic features. Structural brain abnormalities and congenital heart defects have been noted in some individuals (Sifrim, 2016; Marwaha, 2022; Deciphering Developmental Disorders, 2017; Ambry internal data). This amino acid position is highly conserved in available vertebrate species. The p.G717 amino acid is located in the protein kinase domain of CDK13 (Kohoutek, 2012), in particular in a highly conserved GEGTYG G-loop motif. This highly conserved motif regulates cyclin dependent kinase function in the following way: (1) the p.G712, p.G714, and p.G717 amino acid residues form a structural motif to ensure primary function; (2) the p.T715 and p.Y716 amino acid residues function as inhibitory sites; and (3) the p.Y716 residue interacts with the substrate backbone (B&aacute;rtov&aacute;, 2005). The p.G717 amino acid is essential in forming this G-loop, which functions in all protein kinases in nucleotide alignment, phosphorylation site regulatory function, formation of substrate binding box, and specificity for phosphorylation (B&aacute;rtov&aacute;, 2005). This alteration is predicted to be deleterious by in silico analysis. Based on the available evidence, this alteration is classified as pathogenic.

Victorian Clinical Genetics Services, Murdoch Childrens Research Institute
Classification: Pathogenic for Congenital heart defects, dysmorphic facial features, and intellectual developmental disorder. Last evaluated: 2023-07-17. Review status: criteria provided, single submitter. Criteria: ACMG Guidelines, 2015. Collection method: clinical testing. Allele origin: germline. Inheritance: Autosomal dominant inheritance. Affected: yes.
Comment: Based on the classification scheme VCGS_Germline_v1.3.4, this variant is classified as Pathogenic. Following criteria are met: 0102 - Loss of function is a known mechanism of disease in this gene and is associated with congenital heart defects, dysmorphic facial features, and intellectual developmental disorder (MIM#617360). Dominant negative has also been suggested as a mechanism of disease, although not proven with functional studies (PMIDs: 29393965, 30904094, 32762766). (I) 0107 - This gene is associated with autosomal dominant disease. (I) 0200 - Variant is predicted to result in a missense amino acid change from glycine to arginine. (I) 0251 - This variant is heterozygous. (I) 0301 - Variant is absent from gnomAD (both v2 and v3). (SP) 0501 - Missense variant consistently predicted to be damaging by multiple in silico tools or highly conserved with a major amino acid change. (SP) 0600 - Variant is located in the annotated protein kinase domain (DECIPHER). (I) 0801 - This variant has strong previous evidence of pathogenicity in unrelated individuals. This variant has been classified as pathogenic by multiple clinical laboratories in ClinVar, and has been observed as de novo in over five individuals affected with CDK13-related conditions (DECIPHER). (SP) Legend: (SP) - Supporting pathogenic, (I) - Information, (SB) - Supporting benign

3billion
Classification: Pathogenic for Congenital heart defects, dysmorphic facial features, and intellectual developmental disorder. Last evaluated: 2023-06-29. Review status: criteria provided, single submitter. Criteria: ACMG Guidelines, 2015. Collection method: clinical testing. Allele origin: germline. Affected: yes.
Comment: The variant is not observed in the gnomAD v2.1.1 dataset. Predicted Consequence/Location: Missense variant In silico tool predictions suggest damaging effect of the variant on gene or gene product (REVEL: 0.79; 3Cnet: 0.73). Same nucleotide change resulting in same amino acid change has been previously reported as pathogenic/likely pathogenic with strong evidence (ClinVar ID: VCV000375737 /PMID: 27479907 /3billion dataset). The variant has been previously reported as de novo in at least two similarly affected unrelated individuals (PMID: 27479907, 28135719, 29222009). The variant has been observed in multiple (>3) similarly affected unrelated individuals (PMID: 27479907, 28135719, 29222009). Therefore, this variant is classified as Pathogenic according to the recommendation of ACMG/AMP guideline.

Labcorp Genetics (formerly Invitae), Labcorp
Classification: Pathogenic. Last evaluated: 2022-03-09. Review status: criteria provided, single submitter. Criteria: Invitae Variant Classification Sherloc (09022015). Collection method: clinical testing. Allele origin: germline.
Comment: This sequence change replaces glycine, which is neutral and non-polar, with arginine, which is basic and polar, at codon 717 of the CDK13 protein (p.Gly717Arg). This variant is not present in population databases (gnomAD no frequency). This missense change has been observed in individual(s) with CDK13-related conditions (PMID: 27479907, 28135719, 29222009). In at least one individual the variant was observed to be de novo. ClinVar contains an entry for this variant (Variation ID: 375737). Advanced modeling of protein sequence and biophysical properties (such as structural, functional, and spatial information, amino acid conservation, physicochemical variation, residue mobility, and thermodynamic stability) performed at Invitae indicates that this missense variant is expected to disrupt CDK13 protein function. For these reasons, this variant has been classified as Pathogenic.

GeneDx
Classification: Pathogenic. Last evaluated: 2021-12-21. Review status: criteria provided, single submitter. Criteria: GeneDx Variant Classification Process June 2021. Collection method: clinical testing. Allele origin: germline. Affected: yes.
Comment: Not observed at significant frequency in large population cohorts (Lek et al., 2016); In silico analysis, which includes protein predictors and evolutionary conservation, supports a deleterious effect; This variant is associated with the following publications: (PMID: 28135719, 29021403, 29222009, 27479907, 28867141, 30904094, 33004838, 31785789)

Institute of Medical Genetics and Applied Genomics, University Hospital Tübingen
Classification: Pathogenic. Last evaluated: 2020-10-23. Review status: criteria provided, single submitter. Criteria: ACMG Guidelines, 2015. Collection method: clinical testing. Allele origin: germline. Inheritance: Unknown mechanism. Affected: yes.